The following is an entry in ClinVar:

ClinVar aggregate classification (germline): Uncertain significance. Review status: criteria provided, multiple submitters, no conflicts (2 of 4 stars). 2 submissions from 2 submitters: Uncertain significance (2). Last evaluated 2021-12-21.

Conditions:
Inborn genetic diseases. Identifiers: MedGen C0950123, MeSH D030342.

gnomAD v4.1: 1 of 1,614,234 alleles (0.000062%); no homozygotes.

Submissions (2):

Labcorp Genetics (formerly Invitae), Labcorp
Classification: Uncertain significance. Last evaluated: 2021-12-21. Review status: criteria provided, single submitter. Criteria: Invitae Variant Classification Sherloc (09022015). Collection method: clinical testing. Allele origin: germline.
Comment: Algorithms developed to predict the effect of missense changes on protein structure and function are either unavailable or do not agree on the potential impact of this missense change (SIFT: "Not Available"; PolyPhen-2: "Benign"; Align-GVGD: "Not Available"). This variant has not been reported in the literature in individuals affected with UNC45A-related conditions. This variant is present in population databases (no rsID available, gnomAD no frequency). This sequence change replaces leucine, which is neutral and non-polar, with valine, which is neutral and non-polar, at codon 108 of the UNC45A protein (p.Leu108Val). In summary, the available evidence is currently insufficient to determine the role of this variant in disease. Therefore, it has been classified as a Variant of Uncertain Significance.

Ambry Genetics
Classification: Uncertain significance for Inborn genetic diseases. Last evaluated: 2021-12-14. Review status: criteria provided, single submitter. Criteria: Ambry Variant Classification Scheme 2023. Collection method: clinical testing. Allele origin: germline.

NM_018671.5(UNC45A):c.322C>G (p.Leu108Val)

Gene: UNC45A (unc-45 myosin chaperone A; plus strand). Cytogenetic location: 15q26.1.
Variant type: single nucleotide variant.
Coding change: c.322C>G on transcript NM_018671.5 (MANE Select); coding-DNA position 322, C replaced by G.
Protein change: p.Leu108Val; replaces leucine 108 with valine.
Molecular consequence: missense variant. On other transcripts: 5 prime UTR variant (1).
Genome position (GRCh38, 1-based): chr15:90,936,356, C>G. VCF-style: chr15-90936356-C-G. GRCh37 (hg19) VCF-style: chr15-91479586-C-G.
Other names: c.277C>G, p.Leu93Val (NM_001039675.2, NM_001323621.2); c.322C>G, p.Leu108Val (NM_001323619.1); c.-114C>G (NM_001323620.2); short protein forms L93V, L108V.
Identifiers: ClinVar variation 2051957 (VCV002051957.5), dbSNP rs1403726179, ClinGen allele CA393890879.
Genomic context (GRCh38, chr15:90,936,356, plus strand): 5'-GATGGTGGGGATGTCAAAGCACTCTACCGGCGGAGCCAAGCCCTAGAGAAGCTGGGCCGC[C>G]TGGACCAGGCTGTCCTTGACCTGCAGAGATGTGTGAGCTTGGAGCCCAAGAACAAAGTTT-3'
Protein context (NP_061141.2, residues 98-118): RSQALEKLGR[Leu108Val]DQAVLDLQRC